The following is an entry in ClinVar:

NM_207163.3(LMOD2):c.273+1G>A

Gene: LMOD2 (leiomodin 2; plus strand). Cytogenetic location: 7q31.32.
Variant type: single nucleotide variant.
Coding change: c.273+1G>A on transcript NM_207163.3 (MANE Select); the canonical splice donor site of the intron after coding-DNA position 273, G replaced by A.
Molecular consequence: splice donor variant.
Genome position (GRCh38, 1-based): chr7:123,656,237, G>A. VCF-style: chr7-123656237-G-A. GRCh37 (hg19) VCF-style: chr7-123296291-G-A.
Other names: IVS1, G-A, +1.
Identifiers: ClinVar variation 1328520 (VCV001328520.3), dbSNP rs2116731333, ClinGen allele CA369071222.

ClinVar aggregate classification (germline): Pathogenic. Review status: no assertion criteria provided (0 of 4 stars). 2 submissions from 2 submitters: Pathogenic (2). Last evaluated 2022-05-26.

Conditions:
Cardiomyopathy, dilated, 2G. Identifiers: MedGen C5676995, MONDO:0030887, OMIM 619897.
Familial isolated dilated cardiomyopathy. Identifiers: Orphanet 154, MedGen C5679590, MONDO:0700335, MONDO:0015470.

Allele frequency attached by ClinVar (database versions not stated): gnomAD exomes below 0.00001.
gnomAD v4.1: 5 of 1,601,986 alleles (0.00031%); highest among the groups gnomAD compares: Non-Finnish European, 0.00043%; no homozygotes.

Submissions (2):

OMIM
Classification: Pathogenic for CARDIOMYOPATHY, DILATED, 2G. Last evaluated: 2022-05-26. Review status: no assertion criteria provided. Collection method: literature only. Allele origin: germline.

Kids Neuroscience Centre, Sydney Children's Hospitals Network
Classification: Pathogenic for Familial isolated dilated cardiomyopathy. Review status: no assertion criteria provided. Collection method: clinical testing. Allele origin: germline, unknown. Inheritance: Autosomal recessive inheritance. Affected: yes and no. Observed: 4 heterozygotes, 2 homozygotes. Clinical features observed: Neonatal death (HP:0003811).
Comment: Exome sequencing identified a segregating homozygous LMOD2 variant in two siblings ablating the donor 5' splice-site of intron 1. Pre-mRNA splicing studies and western blot analysis on cDNA derived from proband cardiac tissue, MyoD-transduced proband skin fibroblasts and HEK293 cells transfected with LMOD2 gene constructs established variant-associated absence of canonically spliced LMOD2 mRNA and full-length LMOD2 protein. Immunostaining of proband heart tissue unveiled abnormal actin-thin filament shortening.

Neonatally-lethal Dilated cardiomyopathy

Literature cited by the submitters: PubMed 35082396 (cited by OMIM).